The following is an entry in ClinVar:

ClinVar aggregate classification (germline): Pathogenic. Review status: criteria provided, multiple submitters, no conflicts (2 of 4 stars). 3 submissions from 3 submitters: Pathogenic (2). 1 of the submissions does not count toward it. Last evaluated 2025-08-26.

Conditions:
Hereditary spastic paraplegia 11. Also called: SPASTIC PARAPLEGIA, AUTOSOMAL RECESSIVE, COMPLICATED, WITH THIN CORPUS CALLOSUM; SPASTIC PARAPLEGIA, AUTOSOMAL RECESSIVE, WITH MENTAL IMPAIRMENT AND THIN CORPUS CALLOSUM; Spastic paraplegia, mental retardation and thin corpus callosum; Spastic Paraplegia 11; Nakamura Osame syndrome; Autosomal recessive hereditary spastic paraplegia, mental impairment, and thin corpus callosum. Identifiers: Orphanet 2822, MedGen C1858479, MONDO:0011445, OMIM 604360.

Submissions (3):

Labcorp Genetics (formerly Invitae), Labcorp
Classification: Pathogenic for Hereditary spastic paraplegia 11. Last evaluated: 2025-08-26. Review status: criteria provided, single submitter. Criteria: Invitae Variant Classification Sherloc (09022015). Collection method: clinical testing. Allele origin: germline.
Comment: This sequence change creates a premature translational stop signal (p.Glu2247*) in the SPG11 gene. It is expected to result in an absent or disrupted protein product. Loss-of-function variants in SPG11 are known to be pathogenic (PMID: 19105190, 20110243, 22154821, 26556829). This variant is not present in population databases (gnomAD no frequency). This variant has not been reported in the literature in individuals affected with SPG11-related conditions. ClinVar contains an entry for this variant (Variation ID: 1810401). For these reasons, this variant has been classified as Pathogenic.

Neurometabolic Diseases Laboratory, Bellvitge Biomedical Research Institute (IDIBELL)
Classification: Pathogenic for Hereditary spastic paraplegia 11. Last evaluated: 2023-04-27. Review status: criteria provided, single submitter. Criteria: ACMG Guidelines, 2015. Collection method: research. Allele origin: germline. Affected: yes.

Department of Neurology, The Affiliated Hospital of Zunyi Medical University
Classification: Pathogenic for Hereditary spastic paraplegia 11. Last evaluated: 2023-01-04. Review status: no assertion criteria provided. Collection method: clinical testing. Allele origin: inherited. Affected: yes. Observed: 2 variant alleles. Not counted in ClinVar's aggregate classification.
Comment: This nucleotide variation could lead to the change of the codon compiling the amino acid Glu2247 into a stop codon (p. Glu 2247Ter), resulting in the premature termination of peptide chain synthesis, which was a nonsense variation.

In silico analysis of the mutant sequences was performed. The pathogenic significance of mutations (c.6738_6739insT, c.5934_5935insTAACCTGGAA) was analyzed based on reference sequence NM_025137.3 and NP_079413.3 (SPG11 gene) by different software tools including MutationTaster (.), PolyPhen-2 (Polymorphism Phenotyping), PROVEAN (Protein Variation Effect Analyzer) (.), and CADD (Combined Annotation ependent Depletion). The results of in silico analysis showed that the mutations predicated to be disease-causing variants by MutationTaster, probably damaging by PolyPhen-2, deleterious by PROVEAN, and deleterious and pathogenic by CADD (PHRED score 25 for both variants).

Literature cited by the submitters: PubMed 19105190 (cited by Labcorp Genetics (formerly Invitae), Labcorp); PubMed 20110243 (cited by Labcorp Genetics (formerly Invitae), Labcorp); PubMed 22154821 (cited by Labcorp Genetics (formerly Invitae), Labcorp); PubMed 26556829 (cited by Labcorp Genetics (formerly Invitae), Labcorp).

NM_025137.4(SPG11):c.6738dup (p.Glu2247Ter)

Gene: SPG11 (SPG11 vesicle trafficking associated, spatacsin; minus strand). Cytogenetic location: 15q21.1.
Variant type: Duplication.
Coding change: c.6738dup on transcript NM_025137.4 (MANE Select); coding-DNA position 6738, one base duplicated (T; older notation c.6738dupT).
Protein change: p.Glu2247Ter; replaces glutamic acid 2247 with a stop codon.
Molecular consequence: nonsense. On other transcripts: frameshift variant (1).
Genome position (GRCh38, 1-based): chr15:44,567,440, A duplicated on the plus strand (T on the coding strand, the reverse complement: SPG11 is on the minus strand); the first of 2 consecutive A bases (chr15:44,567,440-44,567,441); duplicating either gives the same sequence. VCF-style (leftmost placement, unchanged base first): chr15-44567439-C-CA. GRCh37 (hg19) VCF-style: chr15-44859637-C-CA.
Other names: c.6399dup (NM_001160227.1); c.6399dup, p.Glu2134Ter (NM_001160227.2); c.6593dup, p.Glu2199Terfs (NM_001411132.1); short protein forms E2247*, E2134*.
Identifiers: ClinVar variation 1810401 (VCV001810401.32), dbSNP rs1555446712, ClinGen allele CA2575708279.